The following is an entry in ClinVar:

NM_006096.4(NDRG1):c.339del (p.Ser114fs)

Gene: NDRG1 (N-myc downstream regulated 1; minus strand). Cytogenetic location: 8q24.22.
Variant type: Deletion.
Coding change: c.339del on transcript NM_006096.4 (MANE Select); coding-DNA position 339, one base deleted (C; older notation c.339delC).
Protein change: p.Ser114fs; shifts the reading frame from serine 114.
Molecular consequence: frameshift variant.
Genome position (GRCh38, 1-based): chr8:133,259,218, G deleted on the plus strand (C on the coding strand, the reverse complement: NDRG1 is on the minus strand); the first of 4 consecutive G bases (chr8:133,259,218-133,259,221); deleting any one gives the same sequence. VCF-style (leftmost placement, unchanged base first): chr8-133259217-AG-A. GRCh37 (hg19) VCF-style: chr8-134271460-AG-A.
Other names: c.339del, p.Ser114fs (NM_001135242.2, NM_001374844.1, NM_001374845.1 and 1 more transcripts); c.141del, p.Ser48fs (NM_001258432.2, NM_001374847.1); c.96del, p.Ser33fs (NM_001258433.2); short protein forms S33fs, S48fs, S114fs.
Identifiers: ClinVar variation 3647432 (VCV003647432.2).

ClinVar aggregate classification (germline): Pathogenic (1 of 4 stars; one submission).

Conditions:
Charcot-Marie-Tooth disease type 4. Also called: Charcot-Marie-Tooth disease, type IV; Charcot-Marie-Tooth, Type 4. Identifiers: Orphanet 64749, MedGen C4082197, MONDO:0018995.

Submission:

Labcorp Genetics (formerly Invitae), Labcorp
Classification: Pathogenic for Charcot-Marie-Tooth disease type 4. Last evaluated: 2024-03-24. Review status: criteria provided, single submitter. Criteria: Invitae Variant Classification Sherloc (09022015). Collection method: clinical testing. Allele origin: germline.
Comment: This sequence change creates a premature translational stop signal (p.Ser114Profs*18) in the NDRG1 gene. It is expected to result in an absent or disrupted protein product. Loss-of-function variants in NDRG1 are known to be pathogenic (PMID: 12872253, 23996628). This variant is not present in population databases (gnomAD no frequency). This variant has not been reported in the literature in individuals affected with NDRG1-related conditions. For these reasons, this variant has been classified as Pathogenic.

Literature cited by the submitters: PubMed 12872253; PubMed 23996628.